The following is an entry in ClinVar:

NM_007078.3(LDB3):c.1858-6C>T

Gene: LDB3 (LIM domain binding 3; plus strand). Cytogenetic location: 10q23.2.
Variant type: single nucleotide variant.
Coding change: c.1858-6C>T on transcript NM_007078.3 (MANE Select); 6 bases into the intron before coding-DNA position 1858, C replaced by T.
Molecular consequence: intron variant.
Genome position (GRCh38, 1-based): chr10:86,718,721, C>T. VCF-style: chr10-86718721-C-T. GRCh37 (hg19) VCF-style: chr10-88478478-C-T.
Other names: c.1669-6C>T (NM_001368064.1, NM_001368065.1); c.1873-6C>T (NM_001171610.2); c.1717-6C>T (NM_001368066.1); c.1528-6C>T (NM_001080114.2).
Identifiers: ClinVar variation 1412886 (VCV001412886.8), dbSNP rs2132487012, ClinGen allele CA2573145672.

ClinVar aggregate classification (germline): Uncertain significance (1 of 4 stars; one submission).

Conditions:
Myofibrillar myopathy 4. Also called: Zaspopathy (type). Identifiers: Orphanet 98912, MedGen C4721886, MONDO:0012277, OMIM 609452.

Allele frequency attached by ClinVar (database versions not stated): gnomAD exomes below 0.00001.
gnomAD v4.1: 1 of 1,614,186 alleles (0.000062%); highest among the groups gnomAD compares: Non-Finnish European, 0.000085%; no homozygotes.

Submission:

Labcorp Genetics (formerly Invitae), Labcorp
Classification: Uncertain significance for Myofibrillar myopathy 4. Last evaluated: 2022-08-09. Review status: criteria provided, single submitter. Criteria: Invitae Variant Classification Sherloc (09022015). Collection method: clinical testing. Allele origin: germline.
Comment: In summary, the available evidence is currently insufficient to determine the role of this variant in disease. Therefore, it has been classified as a Variant of Uncertain Significance. Algorithms developed to predict the effect of sequence changes on RNA splicing suggest that this variant may disrupt the consensus splice site. This variant has not been reported in the literature in individuals affected with LDB3-related conditions. This variant is not present in population databases (gnomAD no frequency). This sequence change falls in intron 11 of the LDB3 gene. It does not directly change the encoded amino acid sequence of the LDB3 protein. The LDB3 gene has multiple clinically relevant transcripts. This variant occurs in alternate transcript NM_007078.3, and corresponds to NM_001080116.1:c.*19347C>T in the primary transcript.